The following is an entry in ClinVar:

NM_000260.4(MYO7A):c.3779T>A (p.Leu1260Ter)

Gene: MYO7A (myosin VIIA; plus strand). Cytogenetic location: 11q13.5.
Variant type: single nucleotide variant.
Coding change: c.3779T>A on transcript NM_000260.4 (MANE Select); coding-DNA position 3779, T replaced by A.
Protein change: p.Leu1260Ter; replaces leucine 1260 with a stop codon.
Molecular consequence: nonsense.
Genome position (GRCh38, 1-based): chr11:77,190,725, T>A. VCF-style: chr11-77190725-T-A. GRCh37 (hg19) VCF-style: chr11-76901770-T-A.
Other names: c.3779T>A, p.Leu1260Ter (NM_001127180.2); c.3746T>A, p.Leu1249Ter (NM_001369365.1); short protein forms L1249*, L1260*.
Identifiers: ClinVar variation 1724663 (VCV001724663.2), dbSNP rs1955997471, ClinGen allele CA381947432.

ClinVar aggregate classification (germline): Likely pathogenic (1 of 4 stars; one submission).

Conditions:
Usher syndrome type 1 (USH1). Also called: RETINITIS PIGMENTOSA AND CONGENITAL DEAFNESS. Identifiers: Orphanet 231169, Orphanet 886, MedGen C1568247, MONDO:0010168, OMIM 276900.

Submission:

Myriad Genetics, Inc.
Classification: Likely pathogenic for Usher syndrome type 1. Last evaluated: 2022-02-25. Review status: criteria provided, single submitter. Criteria: Myriad Women's Health Autosomal Recessive and X-Linked Classification Criteria (2021). Collection method: clinical testing. Allele origin: unknown.
Comment: NM_000260.3(MYO7A):c.3779T>A(L1260*) is expected to be pathogenic in the context of MYO7A-related disorders. This variant is predicted to lead to an abnormal or absent protein product due to the creation of a premature termination codon in MYO7A, a gene where loss-of-function variants are known to be pathogenic. Please note: this variant was assessed in the context of healthy population screening.